The following continues an entry in ClinVar:

NM_000110.4(DPYD):c.2846A>T (p.Asp949Val)

Gene: DPYD. ClinVar aggregate classification (germline): drug response. drug response (4).

Submissions 9 to 21 of 21:

ARUP Laboratories, Molecular Genetics and Genomics, ARUP Laboratories
Classification: Pathogenic. Last evaluated: 2025-03-31. Review status: criteria provided, single submitter. Criteria: ARUP Molecular Germline Variant Investigation Process 2024. Collection method: clinical testing. Allele origin: germline. Not counted in ClinVar's aggregate classification.
Comment: The DPYD c.2846A>T; p.Asp949Val variant (rs67376798, ClinVar Variation ID: 88974) is reported in the literature in multiple individuals affected with recessive dihydropyrimidine dehydrogenase deficiency, and who carried an additional pathogenic variant on the opposite allele (van Kuilenburg 2002, Kuilenburg 2016, De Falco 2019). In many cases, which include heterozygous carriers, the main symptom is sensitivity to fluoropyrimidines such as 5-fluorouracil (5FU; selected reference: van Kuilenburg 2000). This variant is found in the non-Finnish European population with an allele frequency of 0.52% (666/ 129006 alleles, including 1 homozygote) in the Genome Aggregation Database (v2.1.1). Computational analyses predict that this variant is deleterious (REVEL: 0.962), and functional data indicate a reduced, but not absent, enzyme activity compared to wild type (Seck 2005, Kuilenburg 2016). Based on available information, this variant is considered to be pathogenic. References: De Falco V et al. A case report of a severe fluoropyrimidine-related toxicity due to an uncommon DPYD variant. Medicine (Baltimore). 2019 May;98(21):e15759. PMID: 31124962 Kuilenburg ABPV et al. Phenotypic and clinical implications of variants in the dihydropyrimidine dehydrogenase gene. Biochim Biophys Acta. 2016 Apr;1862(4):754-762. PMID: 26804652. Seck K et al. Analysis of the DPYD gene implicated in 5-fluorouracil catabolism in a cohort of Caucasian individuals. Clin Cancer Res. 2005 Aug 15;11(16):5886-92. PMID: 16115930. van Kuilenburg AB et al. Clinical implications of dihydropyrimidine dehydrogenase (DPD) deficiency in patients with severe 5-fluorouracil-associated toxicity: identification of new mutations in the DPD gene. Clin Cancer Res. 2000 Dec;6(12):4705-12. PMID: 11156223. van Kuilenburg AB et al. Novel disease-causing mutations in the dihydropyrimidine dehydrogenase gene interpreted by analysis of the three-dimensional protein structure. Biochem J. 2002 May 15;364(Pt 1):157-63. PMID: 11988088

First Genomix Gene Laboratory, Genetic Diagnostics Department
Classification: Likely pathogenic for Dihydropyrimidine dehydrogenase deficiency. Last evaluated: 2025-03-21. Review status: criteria provided, single submitter. Criteria: ACMG Guidelines, 2015. Collection method: clinical testing. Allele origin: germline. Inheritance: Autosomal recessive inheritance. Affected: no. Observed: 1 variant allele. Not counted in ClinVar's aggregate classification.

Blueprint Genetics
Classification: Pathogenic for DPYD-related disorders. Last evaluated: 2024-11-15. Review status: criteria provided, single submitter. Criteria: ACMG Guidelines, 2015. Collection method: clinical testing. Allele origin: germline. Affected: yes. Observed: 5 variant alleles. Not counted in ClinVar's aggregate classification.

Women's Health and Genetics/Laboratory Corporation of America, LabCorp
Classification: Pathogenic for Dihydropyrimidine dehydrogenase deficiency. Last evaluated: 2024-07-11. Review status: criteria provided, single submitter. Criteria: LabCorp Variant Classification Summary - May 2015. Collection method: clinical testing. Allele origin: germline. Not counted in ClinVar's aggregate classification.
Comment: Variant summary: DPYD c.2846A>T (p.Asp949Val) results in a non-conservative amino acid change located in the 4Fe-4S ferredoxin-type, iron-sulphur binding domain (IPR017896) of the encoded protein sequence. Five of five in-silico tools predict a damaging effect of the variant on protein function. The variant allele was found at a frequency of 0.0028 in 251256 control chromosomes (gnomAD). The observed variant frequency is approximately equal to the estimated maximal expected allele frequency for a pathogenic variant in DPYD causing Dihydropyrimidine Dehydrogenase Deficiency phenotype (0.0025). c.2846A>T has been reported in the literature in multiple individuals affected with Dihydropyrimidine Dehydrogenase Deficiency (e.g. van Kuilenburg_2002 and 2016, Henricks_2017, Pallet_2020). In addition, the variant was reported to be associated with lower DPD enzyme activity, reduced 5-fluorouracil clearances and increased risk of fluoropyrimidine-induced toxicity in heterozygous individuals (e.g. Caudle 2013, Henricks_2015, Madi 2018, Lunenburg_2020). Several Pharmacogenetics groups, including the Dutch Pharmacogenetics Working Group (DPWG), the Swiss Group of Pharmacogenomics and Personalised Therapy and the Clinical Pharmacogenetics Implementation Consortium (CPIC), recently released guidelines documenting c.2846A>T to be associated with moderately reduced DPD activity and strongly recommending DPYD genotyping of this and a few other variants prior to the start of therapy with fluoropyrimidines in cancer patients, followed by a reduction of the initial standard dose in genotyped-positive patients in order to decrease the risk of fluoropyrimidine-induced toxicity (Amstutz_2018, Hamzic_2020, Lunenburg_2020). Experimental evidence evaluating an impact on protein function demonstrated the variant to result in decreased enzyme activity (e.g. van Kuilenburg_2002, Offer_2014, van Kuilenburg_2016, Henricks_2017). The following publications have been ascertained in the context of this evaluation (PMID: 29152729, 23988873, 30510603, 33232506, 26265346, 31745289, 30114658, 24648345, 32595208, 16115930, 26804652, 11988088, 11156223). ClinVar contains an entry for this variant (Variation ID: 88974). Based on the evidence outlined above, the variant was classified as pathogenic.

Molecular Genetics, Royal Melbourne Hospital
Classification: Pathogenic for Dihydropyrimidine dehydrogenase deficiency. Last evaluated: 2024-03-01. Review status: criteria provided, single submitter. Criteria: ACMG Guidelines, 2015. Collection method: clinical testing. Allele origin: germline. Inheritance: Semidominant inheritance. Not counted in ClinVar's aggregate classification.
Comment: This sequence change in DPYD is predicted to replace aspartic acid with valine at codon 949, p.(Asp949Val). The aspartic acid residue is highly conserved (100 vertebrates, Multiz alignments), and is located in the 4Fe-4S ferredoxin-type 2 domain. There is a large physicochemical difference between aspartic acid and valine. The highest population minor allele frequency in the population database gnomAD v4.0 is 0.6% (7,583/1,179,644 alleles, 29 homozygotes) in the European (non-Finnish) population. The variant is significantly associated with severe fluoropyrimidine-associated toxicity and is an annotated drug response allele with recommendations for fluoropyrimidine dosing (PMID: 26603945, 29152729, 24648345). It has been detected compound heterozygous with a second pathogenic variant in at least six individuals with dihydropyrimidine dehydrogenase (DPD) deficiency and/or severe fluoropyrimidine-related toxicity (PMID: 11988088, 17064846, 25381393, 26804652, 31124962, 32595208). Multiple individuals with this variant displayed loss/strongly decreased DPD enzyme activity and increased Uracil and Thymine plasma levels, which is highly specific for DPD deficiency (PMID: 11988088, 17064846, 26804652, 32595208). DPD enzyme activity assays in cell lines showed partially reduced activity indicating that this variant impacts protein function (PMID: 24648345, 26804652). Computational evidence predicts a deleterious effect for the missense substitution (REVEL = 0.962). Based on the classification scheme RMH Modified ACMG/AMP Guidelines v1.6.1, this variant is classified as PATHOGENIC. Following criteria are met: PS4, PM3_Strong, PS3_Supporting, PP3_Moderate, PP4, BS1.

Labcorp Genetics (formerly Invitae), Labcorp
Classification: Likely benign. Last evaluated: 2024-01-06. Review status: criteria provided, single submitter. Criteria: Invitae Variant Classification Sherloc (09022015). Collection method: clinical testing. Allele origin: germline. Not counted in ClinVar's aggregate classification.

Daryl Scott Lab, Baylor College of Medicine
Classification: Pathogenic for DPYD-related disorder. Last evaluated: 2024-01-01. Review status: criteria provided, single submitter. Criteria: ACMG Guidelines, 2015. Collection method: clinical testing. Allele origin: paternal. Observed: 1 heterozygote. Not counted in ClinVar's aggregate classification.
Comment: PS3, PS4, PP3, BS1

Department of Pathology and Laboratory Medicine, Sinai Health System
Classification: Likely pathogenic for Dihydropyrimidine dehydrogenase deficiency. Last evaluated: 2023-09-28. Review status: criteria provided, single submitter. Criteria: ACMG Guidelines, 2015. Collection method: research. Allele origin: germline. Not counted in ClinVar's aggregate classification.

GeneDx
Classification: Benign. Last evaluated: 2020-08-20. Review status: criteria provided, single submitter. Criteria: GeneDx Variant Classification Process June 2021. Collection method: clinical testing. Allele origin: germline. Affected: yes. Not counted in ClinVar's aggregate classification.
Comment: Individuals who carry at least one DPYD D949V allele are at risk to experience drug toxicity when treated with fluoropyrimidine drugs. Dosing guidelines based on DPYD genotype are available (PMID: 29152729); Published functional studies demonstrate decreased enzymatic activity for D949V (PMID: 26804652, 24648345); In silico analysis supports that this missense variant has a deleterious effect on protein structure/function; This variant is associated with the following publications: (PMID: 11156223, 34697415, 27995989, 26794347, 30510603, 26603945, 23603345, 21498394, 21410976, 19795123, 11988088, 11875367, 16115930, 23988873, 26265035, 17121937, 17064846, 30609409, 31124962, 22995991, 21228398, 30114658, 29065426, 28481884, 28427087, 28295243, 27454530, 26216193, 26265346, 26099996, 25677447, 24923815, 24647007, 25410891, 25381393, 24648345, 24590654, 24167597, 23930673, 23736036, 21077799, 20819423, 19473056, 19296131, 19104657, 18299612, 17700593, 15377401, 10071185, 31980526, 34426522, 32595208, 26804652, 29152729)

Genetics and Genomic Medicine Centre, NeuroGen Healthcare, NeuroGen Healthcare
Classification: Pathogenic for Dihydropyrimidine dehydrogenase deficiency. Last evaluated: 2020-02-08. Review status: criteria provided, single submitter. Criteria: Submitter's publication. Collection method: clinical testing. Allele origin: unknown. Affected: no. Not counted in ClinVar's aggregate classification.

Counsyl
Classification: Likely pathogenic for Dihydropyrimidine dehydrogenase deficiency. Last evaluated: 2016-04-20. Review status: no assertion criteria provided. Collection method: clinical testing. Allele origin: unknown. Not counted in ClinVar's aggregate classification.

Genetic Services Laboratory, University of Chicago
Classification: other for 5-fluorouracil toxicity. Last evaluated: 2016-02-29. Review status: no assertion criteria provided. Collection method: clinical testing. Allele origin: germline. Affected: no. Not counted in ClinVar's aggregate classification.

Diasio Lab,  Mayo Clinic
No classification provided. Review status: no classification provided. Collection method: not provided. Allele origin: unknown. Not counted in ClinVar's aggregate classification.

Literature cited by the submitters: PubMed 11156223 (cited by 3 submitters); PubMed 17121937 (cited by ClinPGx); PubMed 17700593 (cited by ClinPGx); PubMed 18299612 (cited by ClinPGx); PubMed 19104657 (cited by ClinPGx); PubMed 19795123 (cited by ClinPGx); PubMed 20819423 (cited by ClinPGx); PubMed 21498394 (cited by ClinPGx); PubMed 23603345 (cited by ClinPGx); PubMed 23736036 (cited by ClinPGx); PubMed 23930673 (cited by ClinPGx); PubMed 24167597 (cited by ClinPGx); PubMed 24923815 (cited by ClinPGx); PubMed 25381393 (cited by 3 submitters); PubMed 26099996 (cited by ClinPGx); PubMed 26603945 (cited by 3 submitters); PubMed 26794347 (cited by ClinPGx); PubMed 27122156 (cited by ClinPGx); PubMed 28427087 (cited by ClinPGx); PubMed 29065426 (cited by ClinPGx); PubMed 30114658 (cited by ClinPGx and Women's Health and Genetics/Laboratory Corporation of America, LabCorp); PubMed 30485432 (cited by ClinPGx); PubMed 30858516 (cited by ClinPGx); PubMed 21077799 (cited by ClinPGx); PubMed 24590654 (cited by ClinPGx); PubMed 24647007 (cited by ClinPGx); PubMed 25677447 (cited by ClinPGx); PubMed 27454530 (cited by ClinPGx); PubMed 27995989 (cited by ClinPGx); PubMed 28481884 (cited by ClinPGx); PubMed 29846282 (cited by ClinPGx); PubMed 29889674 (cited by ClinPGx); PubMed 29998006 (cited by ClinPGx); PubMed 30723313 (cited by ClinPGx); PubMed 31486738 (cited by ClinPGx); PubMed 11988088 (cited by 6 submitters); PubMed 16115930 (cited by 3 submitters); PubMed 17064846 (cited by 3 submitters); PubMed 23588312 (cited by ClinPGx); PubMed 24648345 (cited by 7 submitters); PubMed 25410891 (cited by ClinPGx); PubMed 26216193 (cited by ClinPGx); PubMed 26265035 (cited by ClinPGx and Counsyl); PubMed 26804652 (cited by 7 submitters); PubMed 28295243 (cited by ClinPGx); PubMed 31745289 (cited by ClinPGx and Women's Health and Genetics/Laboratory Corporation of America, LabCorp); PubMed 21410976 (cited by ClinPGx); PubMed 30510603 (cited by 3 submitters); PubMed 26265346 (cited by Victorian Clinical Genetics Services, Murdoch Childrens Research Institute and Women's Health and Genetics/Laboratory Corporation of America, LabCorp); PubMed 11783493 (cited by Victorian Clinical Genetics Services, Murdoch Childrens Research Institute); PubMed 32595208 (cited by 4 submitters); PubMed 29152729 (cited by 4 submitters); PubMed 23988873 (cited by Women's Health and Genetics/Laboratory Corporation of America, LabCorp); PubMed 33232506 (cited by Women's Health and Genetics/Laboratory Corporation of America, LabCorp); PubMed 31124962 (cited by Molecular Genetics, Royal Melbourne Hospital).